The following is an entry in ClinVar:

NM_016507.4(CDK12):c.394A>G (p.Lys132Glu)

Genes: CDK12 (cyclin dependent kinase 12; plus strand), LOC126862553 (CDK7 strongly-dependent group 2 enhancer GRCh37_chr17:37618166-37619365; plus strand). Cytogenetic location: 17q12.
Variant type: single nucleotide variant.
Coding change: c.394A>G on transcript NM_016507.4 (MANE Select); coding-DNA position 394, A replaced by G.
Protein change: p.Lys132Glu; replaces lysine 132 with glutamic acid.
Molecular consequence: missense variant.
Genome position (GRCh38, 1-based): chr17:39,462,465, A>G. VCF-style: chr17-39462465-A-G. GRCh37 (hg19) VCF-style: chr17-37618718-A-G.
Other names: c.394A>G, p.Lys132Glu (NM_015083.4); short protein forms K132E.
Identifiers: ClinVar variation 4868468 (VCV004868468.1).

ClinVar aggregate classification (germline): Uncertain significance (1 of 4 stars; one submission).

gnomAD v4.1: 3 of 1,614,096 alleles (0.00019%); highest among the groups gnomAD compares: Non-Finnish European, 0.00025%; no homozygotes.

Submission:

Ambry Genetics
Classification: Uncertain significance. Last evaluated: 2026-04-02. Review status: criteria provided, single submitter. Criteria: Ambry Variant Classification Scheme 2023. Collection method: clinical testing. Allele origin: germline.
Comment: The p.K132E variant (also known as c.394A>G), located in coding exon 1 of the CDK12 gene, results from an A to G substitution at nucleotide position 394. The lysine at codon 132 is replaced by glutamic acid, an amino acid with similar properties. This amino acid position is conserved. In addition, this alteration is predicted to be tolerated by in silico analysis. Based on the available evidence, the clinical significance of this variant remains unclear.